The following is an entry in ClinVar:

ClinVar aggregate classification (germline): Uncertain significance (1 of 4 stars; one submission).

Submission:

Labcorp Genetics (formerly Invitae), Labcorp
Classification: Uncertain significance. Last evaluated: 2025-09-27. Review status: criteria provided, single submitter. Criteria: Invitae Variant Classification Sherloc (09022015). Collection method: clinical testing. Allele origin: germline.
Comment: This sequence change replaces alanine, which is neutral and non-polar, with proline, which is neutral and non-polar, at codon 116 of the HNF1A protein (p.Ala116Pro). This variant is not present in population databases (gnomAD no frequency). This missense change has been observed in individual(s) with clinical features of HNF1A-related conditions (internal data). Invitae Evidence Modeling of protein sequence and biophysical properties (such as structural, functional, and spatial information, amino acid conservation, physicochemical variation, residue mobility, and thermodynamic stability) indicates that this missense variant is not expected to disrupt HNF1A protein function with a negative predictive value of 80%. This variant disrupts the p.Ala116 amino acid residue in HNF1A. Other variant(s) that disrupt this residue have been determined to be pathogenic (PMID: 11315828, 12453976, 32910913, 34746319; internal data). This suggests that this residue is clinically significant, and that variants that disrupt this residue are likely to be disease-causing. In summary, the available evidence is currently insufficient to determine the role of this variant in disease. Therefore, it has been classified as a Variant of Uncertain Significance.

Literature cited by the submitters: PubMed 11315828; PubMed 12453976; PubMed 32910913; PubMed 34746319.

NM_000545.8(HNF1A):c.346G>C (p.Ala116Pro)

Gene: HNF1A (HNF1 homeobox A; plus strand). Cytogenetic location: 12q24.31.
Variant type: single nucleotide variant.
Coding change: c.346G>C on transcript NM_000545.8 (MANE Select); coding-DNA position 346, G replaced by C.
Protein change: p.Ala116Pro; replaces alanine 116 with proline.
Molecular consequence: missense variant.
Genome position (GRCh38, 1-based): chr12:120,988,852, G>C. VCF-style: chr12-120988852-G-C. GRCh37 (hg19) VCF-style: chr12-121426655-G-C.
Other names: c.346G>C, p.Ala116Pro (NM_001306179.2, NM_001406915.1); short protein forms A116P.
Identifiers: ClinVar variation 4769323 (VCV004769323.1).
Genomic context (GRCh38, chr12:120,988,852, plus strand): 5'-ACAGCCCTTGCTGAGCAGATCCCGTCCTTGCCCTCTCCCAGGGAGGACCCGTGGCGTGTG[G>C]CGAAGATGGTCAAGTCCTACCTGCAGCAGCACAACATCCCACAGCGGGAGGTGGTCGATA-3'
Protein context (NP_000536.6, residues 106-126): TLLQEDPWRV[Ala116Pro]KMVKSYLQQH